The following is an entry in ClinVar:

NM_001005361.3(DNM2):c.2274G>T (p.Gln758His)

Gene: DNM2 (dynamin 2; plus strand). Cytogenetic location: 19p13.2.
Variant type: single nucleotide variant.
Coding change: c.2274G>T on transcript NM_001005361.3 (MANE Select); coding-DNA position 2274, G replaced by T.
Protein change: p.Gln758His; replaces glutamine 758 with histidine.
Molecular consequence: missense variant.
Genome position (GRCh38, 1-based): chr19:10,829,251, G>T. VCF-style: chr19-10829251-G-T. GRCh37 (hg19) VCF-style: chr19-10939927-G-T.
Other names: c.2274G>T, p.Gln758His (NM_001005360.3, NM_001190716.2); c.2262G>T, p.Gln754His (NM_001005362.3, NM_004945.4); short protein forms Q758H, Q754H.
Identifiers: ClinVar variation 1375323 (VCV001375323.6), dbSNP rs2146206095, ClinGen allele CA404043250.

ClinVar aggregate classification (germline): Uncertain significance (1 of 4 stars; one submission).

Conditions:
Charcot-Marie-Tooth disease dominant intermediate B (CMTDIB). Also called: CHARCOT-MARIE-TOOTH NEUROPATHY, DOMINANT INTERMEDIATE B; Charcot-Marie-Tooth disease dominant intermediate 1; CMT DI1; Charcot-Marie-Tooth disease dominant intermediate I. Identifiers: Orphanet 100044, Orphanet 228179, MedGen C1847902, MONDO:0011674, OMIM 606482.

gnomAD v4.1: 11 of 1,613,494 alleles (0.00068%); highest among the groups gnomAD compares: Non-Finnish European, 0.00093%; no homozygotes.

Submission:

Labcorp Genetics (formerly Invitae), Labcorp
Classification: Uncertain significance for Charcot-Marie-Tooth disease dominant intermediate B. Last evaluated: 2023-08-30. Review status: criteria provided, single submitter. Criteria: Invitae Variant Classification Sherloc (09022015). Collection method: clinical testing. Allele origin: germline.
Comment: In summary, the available evidence is currently insufficient to determine the role of this variant in disease. Therefore, it has been classified as a Variant of Uncertain Significance. Advanced modeling of protein sequence and biophysical properties (such as structural, functional, and spatial information, amino acid conservation, physicochemical variation, residue mobility, and thermodynamic stability) has been performed at Invitae for this missense variant, however the output from this modeling did not meet the statistical confidence thresholds required to predict the impact of this variant on DNM2 protein function. ClinVar contains an entry for this variant (Variation ID: 1375323). This variant has not been reported in the literature in individuals affected with DNM2-related conditions. This variant is not present in population databases (gnomAD no frequency). This sequence change replaces glutamine, which is neutral and polar, with histidine, which is basic and polar, at codon 758 of the DNM2 protein (p.Gln758His).